The following is an entry in ClinVar:

NM_001429.4(EP300):c.4564C>G (p.Gln1522Glu)

Gene: EP300 (EP300 lysine acetyltransferase; plus strand). Cytogenetic location: 22q13.2.
Variant type: single nucleotide variant.
Coding change: c.4564C>G on transcript NM_001429.4 (MANE Select); coding-DNA position 4564, C replaced by G.
Protein change: p.Gln1522Glu; replaces glutamine 1522 with glutamic acid.
Molecular consequence: missense variant.
Genome position (GRCh38, 1-based): chr22:41,172,610, C>G. VCF-style: chr22-41172610-C-G. GRCh37 (hg19) VCF-style: chr22-41568614-C-G.
Other names: c.4486C>G, p.Gln1496Glu (NM_001362843.2); short protein forms Q1522E, Q1496E.
Identifiers: ClinVar variation 4985311 (VCV004985311.1).

ClinVar aggregate classification (germline): Uncertain significance (1 of 4 stars; one submission).

Conditions:
EP300-related disorder. Also called: EP300-related condition; EP300-related disorders.

gnomAD v4.1: 10 of 1,613,862 alleles (0.00062%); highest among the groups gnomAD compares: Non-Finnish European, 0.00085%; no homozygotes.

Submission:

PreventionGenetics, part of Exact Sciences
Classification: Uncertain significance for EP300-related condition. Last evaluated: 2026-07-29. Review status: criteria provided, single submitter. Criteria: ACMG Guidelines, 2015. Collection method: clinical testing. Allele origin: germline.
Comment: The EP300 c.4564C>G variant is predicted to result in the amino acid substitution p.Gln1522Glu. This variant has been reported in an individual with congenital heart disease (Table DS4, Sierant et al. 2025. PubMed ID: 40127276). This variant has not been reported in a large population database (gnomAD), indicating this variant is rare. At this time, the clinical significance of this variant is uncertain due to the absence of conclusive functional and genetic evidence.